The following is an entry in ClinVar:

NM_006744.4(RBP4):c.271A>G (p.Met91Val)

Gene: RBP4 (retinol binding protein 4; minus strand). Cytogenetic location: 10q23.33.
Variant type: single nucleotide variant.
Coding change: c.271A>G on transcript NM_006744.4 (MANE Select); coding-DNA position 271, A replaced by G.
Protein change: p.Met91Val; replaces methionine 91 with valine.
Molecular consequence: missense variant.
Genome position (GRCh38, 1-based): chr10:93,600,477, T>C on the plus strand (A>G on the coding strand, the complement: RBP4 is on the minus strand). VCF-style: chr10-93600477-T-C. GRCh37 (hg19) VCF-style: chr10-95360234-T-C.
Other names: c.271A>G, p.Met91Val (NM_001323517.1); c.265A>G, p.Met89Val (NM_001323518.2); short protein forms M89V, M91V.
Identifiers: ClinVar variation 2430198 (VCV002430198.4), dbSNP rs2494068419, ClinGen allele CA377617525.

ClinVar aggregate classification (germline): Conflicting classifications of pathogenicity. Review status: criteria provided, conflicting classifications (1 of 4 stars). 3 submissions from 3 submitters: Likely pathogenic (1); Uncertain significance (2). Last evaluated 2025-11-27.

Conditions:
Microphthalmia. Also called: Microphthalmos. Identifiers: MedGen C0026010, MONDO:0021129, HP:0000568.
Microphthalmia, isolated, with coloboma 10 (MCOPCB10). Also called: MICROPHTHALMIA/COLOBOMA 10. Identifiers: Orphanet 98938, MedGen C4225330, MONDO:0014635, OMIM 616428.

Submissions (3):

Victorian Clinical Genetics Services, Murdoch Childrens Research Institute
Classification: Uncertain significance for Microphthalmia, isolated, with coloboma 10. Last evaluated: 2025-11-27. Review status: criteria provided, single submitter. Criteria: ACMG Guidelines, 2015. Collection method: clinical testing. Allele origin: germline. Affected: yes.
Comment: This variant is classified as VUS-3A. Evidence in support of pathogenic classification: Variant is absent from gnomAD (v2, v3 and v4); This variant has limited previous evidence of pathogenicity in unrelated individual(s). This variant has been classified as likely pathogenic and as a VUS by clinical laboratories in ClinVar. Additionally, it has been reported in the literature in a child with ocular anomalies in addition to IUGR and brain abnormalities (PMID: 37586836); Missense variant predicted to be damaging by in silico tool(s) or highly conserved with a major amino acid change; Additional information: Variant is predicted to result in a missense amino acid change from Met to Val; This variant is heterozygous; This gene is associated with both recessive and dominant disease (OMIM); No published functional evidence has been identified for this variant; No comparable missense variants have previous evidence for pathogenicity; Variant is located in the annotated lipocalin/cytosolic fatty-acid binding protein family domain (DECIPHER); Dominant negative and loss of function are known mechanisms of disease in this gene. Loss of function is associated with autosomal recessive retinal dystrophy, iris coloboma, and comedogenic acne syndrome (MIM#615147). Autosomal dominant microphthalmia/coloboma 10 (MIM#616428) is postulated to be caused by a dominant negative mechanism (PMID: 37586836); The condition associated with this gene has incomplete penetrance. It has been suggested that maternal inheritance increases penetrance (PMID: 37586836); Variants in this gene are known to have variable expressivity. Intra- and inter-familial variability have both been reported, with suggestions that it may be influenced by maternal genotype and diet during pregnancy (PMID: 37586836

3billion
Classification: Uncertain significance for Microphthalmia, isolated, with coloboma 10. Last evaluated: 2025-02-11. Review status: criteria provided, single submitter. Criteria: ACMG Guidelines, 2015. Collection method: clinical testing. Allele origin: germline. Affected: yes.
Comment: The variant is not observed in the gnomAD v4.1.0 dataset. Predicted Consequence/Location: Missense variant In silico tool predictions suggest damaging effect of the variant on gene or gene product [REVEL: 0.81 (>=0.6, sensitivity 0.68 and specificity 0.92); 3Cnet: 0.99 (>=0.6, sensitivity 0.72 and precision 0.9)]. The same nucleotide change resulting in the same amino acid change has been previously reported to be associated with RBP4-related disorder (ClinVar ID: VCV002430198). However, the evidence of pathogenicity is insufficient at this time. Therefore, this variant is classified as VUS according to the recommendation of ACMG/AMP guideline.

Genetics Department, University Hospital of Toulouse
Classification: Likely pathogenic for Microphthalmia. Last evaluated: 2022-12-06. Review status: criteria provided, single submitter. Criteria: ACMG Guidelines, 2015. Collection method: clinical testing. Allele origin: germline. Affected: yes. Observed: 3 variant alleles.
Comment: PM1, PM2, PP2, PP3

Literature cited by the submitters: PubMed 37586836 (cited by Victorian Clinical Genetics Services, Murdoch Childrens Research Institute).